The following is an entry in ClinVar:

ClinVar aggregate classification (germline): Conflicting classifications of pathogenicity. Review status: criteria provided, conflicting classifications (1 of 4 stars). 2 submissions from 2 submitters: Uncertain significance (1); Likely benign (1). Last evaluated 2025-08-30.

Conditions:
Thrombocytopenia. Identifiers: MedGen C0040034, MeSH D013921, MONDO:0002049, HP:0001873.

Allele frequency attached by ClinVar (database versions not stated): gnomAD 0.00003; gnomAD exomes 0.00004 and 0.00008; TOPMed 0.00004; ExAC 0.00009.
gnomAD v4.1: 77 of 1,612,280 alleles (0.0048%); highest among the groups gnomAD compares: Non-Finnish European, 0.0024%; no homozygotes.

Submissions (2):

Ambry Genetics
Classification: Uncertain significance. Last evaluated: 2025-08-30. Review status: criteria provided, single submitter. Criteria: Ambry Variant Classification Scheme 2023. Collection method: clinical testing. Allele origin: germline.

Illumina Laboratory Services, Illumina
Classification: Likely benign for Thrombocytopenia. Last evaluated: 2018-01-12. Review status: criteria provided, single submitter. Criteria: ICSL Variant Classification Criteria 13 December 2019. Collection method: clinical testing. Allele origin: germline.
Comment: This variant was observed in the ICSL laboratory as part of a predisposition screen in an ostensibly healthy population. It had not been previously curated by ICSL or reported in the Human Gene Mutation Database (HGMD: prior to June 1st, 2018), and was therefore a candidate for classification through an automated scoring system. Utilizing variant allele frequency, disease prevalence and penetrance estimates, and inheritance mode, an automated score was calculated to assess if this variant is too frequent to cause the disease. Based on the score and internal cut-off values, a variant classified as likely benign is not then subjected to further curation. The score for this variant resulted in a classification of likely benign for this disease.

NM_001172303.3(MASTL):c.478G>A (p.Asp160Asn)

Gene: MASTL (microtubule associated serine/threonine kinase like; plus strand). Cytogenetic location: 10p12.1.
Variant type: single nucleotide variant.
Coding change: c.478G>A on transcript NM_001172303.3 (MANE Select); coding-DNA position 478, G replaced by A.
Protein change: p.Asp160Asn; replaces aspartic acid 160 with asparagine.
Molecular consequence: missense variant. On other transcripts: 5 prime UTR variant (2), non-coding transcript variant (1).
Genome position (GRCh38, 1-based): chr10:27,161,107, G>A. VCF-style: chr10-27161107-G-A. GRCh37 (hg19) VCF-style: chr10-27450036-G-A.
Other names: c.478G>A, p.Asp160Asn (NM_001172304.3, NM_001320756.2, NM_001320757.2 and 1 more transcripts); c.-6G>A (NM_001372029.1, NM_001372030.1); short protein forms D160N.
Identifiers: ClinVar variation 880216 (VCV000880216.7), dbSNP rs201425706, ClinGen allele CA5449987.
Genomic context (GRCh38, chr10:27,161,107, plus strand): 5'-AACTAGCCCTTTTTTGGTTATCTAATATTTGCCTTTTGTGTGTGCAGGGACTTGAAACCG[G>A]ACAATATGCTTATTTCTAATGAGGGTCATATTAAACTGACGGATTTTGGCCTTTCAAAAG-3'
Protein context (NP_001165774.1, residues 150-170): HGIIHRDLKP[Asp160Asn]NMLISNEGHI